The following is an entry in ClinVar:

ClinVar aggregate classification (germline): Uncertain significance (1 of 4 stars; one submission).

Submission:

GeneDx
Classification: Uncertain significance. Last evaluated: 2026-07-13. Review status: criteria provided, single submitter. Criteria: GeneDx Variant Classification Process June 2021. Collection method: clinical testing. Allele origin: germline.
Comment: Not observed at significant frequency in large population cohorts (gnomAD); In silico analysis supports that this missense variant has a deleterious effect on protein structure/function; Has not been previously published as pathogenic or benign to our knowledge

NM_001904.4(CTNNB1):c.1613A>C (p.Gln538Pro)

Genes: CTNNB1 (catenin beta 1; plus strand), LOC126806659 (BRD4-independent group 4 enhancer GRCh37_chr3:41274918-41276117; plus strand). Cytogenetic location: 3p22.1.
Variant type: single nucleotide variant.
Coding change: c.1613A>C on transcript NM_001904.4 (MANE Select); coding-DNA position 1613, A replaced by C.
Protein change: p.Gln538Pro; replaces glutamine 538 with proline.
Molecular consequence: missense variant.
Genome position (GRCh38, 1-based): chr3:41,234,227, A>C. VCF-style: chr3-41234227-A-C. GRCh37 (hg19) VCF-style: chr3-41275718-A-C.
Other names: c.1613A>C, p.Gln538Pro (NM_001098209.2, NM_001098210.2); c.1592A>C, p.Gln531Pro (NM_001330729.2); short protein forms Q531P, Q538P.
Identifiers: ClinVar variation 3774679 (VCV003774679.2).
Genomic context (GRCh38, chr3:41,234,227, plus strand): 5'-CCCTTTGTCCCGCAAATCATGCACCTTTGCGTGAGCAGGGTGCCATTCCACGACTAGTTC[A>C]GTTGCTTGTTCGTGCACATCAGGATACCCAGCGCCGTACGTCCATGGGTGGGACACAGCA-3'
Protein context (NP_001895.1, residues 528-548): REQGAIPRLV[Gln538Pro]LLVRAHQDTQ